The following is an entry in ClinVar:

NM_001267550.2(TTN):c.19859G>A (p.Cys6620Tyr)

Genes: TTN (titin; minus strand), LOC126806429 (BRD4-independent group 4 enhancer GRCh37_chr2:179591393-179592592; plus strand). Cytogenetic location: 2q31.2.
Variant type: single nucleotide variant.
Coding change: c.19859G>A on transcript NM_001267550.2 (MANE Select); coding-DNA position 19859, G replaced by A.
Protein change: p.Cys6620Tyr; replaces cysteine 6620 with tyrosine.
Molecular consequence: missense variant. On other transcripts: intron variant (3).
Genome position (GRCh38, 1-based): chr2:178,727,719, C>T on the plus strand (G>A on the coding strand, the complement: TTN is on the minus strand). VCF-style: chr2-178727719-C-T. GRCh37 (hg19) VCF-style: chr2-179592446-C-T.
Other names: c.18908G>A, p.Cys6303Tyr (NM_001256850.1); c.16127G>A, p.Cys5376Tyr (NM_133378.4); c.13282+10363G>A (NM_003319.4); c.13858+10363G>A (NM_133437.4); c.13657+10363G>A (NM_133432.3); short protein forms C5376Y, C6303Y, C6620Y.
Identifiers: ClinVar variation 4083459 (VCV004083459.3).
Genomic context (GRCh38, chr2:178,727,719, plus strand): 5'-TTAGAAGCATCCACTGAGTAGAGATTTAAGAAGCTAGTCGACCCTTCCAAGCCAATGAAA[C>T]ATTTAGGACCTGAGACAAGTTCCACATCATCCTTAAACCATTTTATTTTAAATGGTGGTG-3'
Protein context (NP_001254479.2, residues 6610-6630): DDVELVSGPK[Cys6620Tyr]FIGLEGSTSF

ClinVar aggregate classification (germline): Uncertain significance. Review status: criteria provided, multiple submitters, no conflicts (2 of 4 stars). 2 submissions from 2 submitters: Uncertain significance (2). Last evaluated 2026-06-01.

gnomAD v4.1: 9 of 1,613,320 alleles (0.00056%); highest among the groups gnomAD compares: East Asian, 0.0022%; no homozygotes.

Submissions (2):

CeGaT Center for Human Genetics Tuebingen
Classification: Uncertain significance. Last evaluated: 2026-06-01. Review status: criteria provided, single submitter. Criteria: CeGaT Center For Human Genetics Tuebingen Variant Classification Criteria Version 2. Collection method: clinical testing. Allele origin: germline. Affected: yes. Observed: 1 variant allele.

GeneDx
Classification: Uncertain significance. Last evaluated: 2025-03-04. Review status: criteria provided, single submitter. Criteria: GeneDx Variant Classification Process June 2021. Collection method: clinical testing. Allele origin: germline. Affected: yes.
Comment: Not observed at significant frequency in large population cohorts (gnomAD); Missense variant in a gene in which most reported pathogenic variants are truncating/loss-of-function; Has not been previously published as pathogenic or benign to our knowledge